The following is an entry in ClinVar:

NM_003072.5(SMARCA4):c.4540A>G (p.Ile1514Val)

Gene: SMARCA4 (SWI/SNF related BAF chromatin remodeling complex subunit ATPase 4; plus strand). Cytogenetic location: 19p13.2.
Variant type: single nucleotide variant.
Coding change: c.4540A>G on transcript NM_003072.5 (MANE Select); coding-DNA position 4540, A replaced by G.
Protein change: p.Ile1514Val; replaces isoleucine 1514 with valine.
Molecular consequence: missense variant. On other transcripts: non-coding transcript variant (1).
Genome position (GRCh38, 1-based): chr19:11,058,794, A>G. VCF-style: chr19-11058794-A-G. GRCh37 (hg19) VCF-style: chr19-11169470-A-G.
Other names: c.4540A>G, p.Ile1514Val (NM_001128844.3); c.4450A>G, p.Ile1484Val (NM_001128845.2); c.4447A>G, p.Ile1483Val (NM_001128846.2); c.4441A>G, p.Ile1481Val (NM_001128847.4, NM_001374457.1); c.4438A>G, p.Ile1480Val (NM_001128848.2); c.4636A>G, p.Ile1546Val (NM_001128849.3, NM_001387283.1); c.4537A>G, p.Ile1513Val (NM_001411150.1); short protein forms I1480V, I1481V, I1483V, I1484V, I1513V, I1514V, I1546V.
Identifiers: ClinVar variation 1708763 (VCV001708763.3), dbSNP rs2515778391, ClinGen allele CA404078670.

ClinVar aggregate classification (germline): Uncertain significance. Review status: criteria provided, multiple submitters, no conflicts (2 of 4 stars). 2 submissions from 2 submitters: Uncertain significance (2). Last evaluated 2026-07-07.

Conditions:
Hereditary cancer-predisposing syndrome. Also called: Tumor predisposition; Hereditary neoplastic syndrome; Neoplastic Syndromes, Hereditary; Hereditary Cancer Syndrome. Identifiers: Orphanet 140162, MedGen C0027672, MeSH D009386, MONDO:0015356.

Submissions (2):

Ambry Genetics
Classification: Uncertain significance for Hereditary cancer-predisposing syndrome. Last evaluated: 2026-07-07. Review status: criteria provided, single submitter. Criteria: Ambry Variant Classification Scheme 2023. Collection method: clinical testing. Allele origin: germline.
Comment: The p.I1546V variant (also known as c.4636A>G), located in coding exon 32 of the SMARCA4 gene, results from an A to G substitution at nucleotide position 4636. The isoleucine at codon 1546 is replaced by valine, an amino acid with highly similar properties. This amino acid position is conserved. In addition, this alteration is predicted to be tolerated by in silico analysis. Based on the available evidence, the clinical significance of this variant remains unclear.

GeneDx
Classification: Uncertain significance. Last evaluated: 2022-04-06. Review status: criteria provided, single submitter. Criteria: GeneDx Variant Classification Process June 2021. Collection method: clinical testing. Allele origin: germline. Affected: yes.
Comment: Not observed at significant frequency in large population cohorts (gnomAD); In silico analysis supports that this missense variant does not alter protein structure/function; Has not been previously published as pathogenic or benign to our knowledge; Also known as c.4540A>G; p.(I1514V); This variant is associated with the following publications: (PMID: 24658002)